The following is an entry in ClinVar:

NM_003235.5(TG):c.229G>A (p.Gly77Ser)

Gene: TG (thyroglobulin; plus strand). Cytogenetic location: 8q24.22.
Variant type: single nucleotide variant.
Coding change: c.229G>A on transcript NM_003235.5 (MANE Select); coding-DNA position 229, G replaced by A.
Protein change: p.Gly77Ser; replaces glycine 77 with serine.
Molecular consequence: missense variant.
Genome position (GRCh38, 1-based): chr8:132,869,781, G>A. VCF-style: chr8-132869781-G-A. GRCh37 (hg19) VCF-style: chr8-133882026-G-A.
Other names: short protein forms G77S.
Identifiers: ClinVar variation 436996 (VCV000436996.35), dbSNP rs142698837, ClinGen allele CA4882834.

ClinVar aggregate classification (germline): Conflicting classifications of pathogenicity. Review status: criteria provided, conflicting classifications (1 of 4 stars). 20 submissions from 20 submitters: Pathogenic (4); Likely pathogenic (6); Uncertain significance (8). 2 of the submissions do not count toward it. Last evaluated 2026-04-27.

Conditions:
TG-related disorder. Also called: TG-related condition; TG-related disorders.
Autoimmune thyroid disease, susceptibility to, 3. Identifiers: MedGen C1842444, MONDO:0011982, OMIM 608175.
Iodotyrosyl coupling defect (TDH3). Also called: THYROID HORMONOGENESIS, GENETIC DEFECT IN, 3; HYPOTHYROIDISM, CONGENITAL, DUE TO DYSHORMONOGENESIS, 3. Identifiers: Orphanet 95716, MedGen C0342194, MONDO:0010135, OMIM 274700.
Congenital hypothyroidism. Identifiers: Orphanet 442, MedGen C0010308, MONDO:0018612, HP:0000851.

Allele frequency attached by ClinVar (database versions not stated): 1000 Genomes Project 30x 0.00016; 1000 Genomes Project 0.00020; TOPMed 0.00057; gnomAD 0.00070 and 0.00071; gnomAD exomes 0.00076 and 0.00125; ExAC 0.00079; ESP Exome Variant Server 0.00161.
gnomAD v4.1: 1,904 of 1,614,136 alleles (0.12%); highest among the groups gnomAD compares: Non-Finnish European, 0.15%; 2 homozygotes.

Submissions 1 to 11 of 20:

Cambridge Genomics Laboratory, East Genomic Laboratory Hub, NHS Genomic Medicine Service
Classification: Pathogenic for Congenital hypothyroidism. Last evaluated: 2026-04-27. Review status: criteria provided, single submitter. Criteria: ACGS Best Practice Guidelines for Variant Classification in Rare Disease 2020. Collection method: clinical testing. Allele origin: germline. Affected: yes.
Comment: PM1_Supporting,PM3_Very Strong,PP3

PreventionGenetics, part of Exact Sciences
Classification: Likely pathogenic for TG-related condition. Last evaluated: 2026-02-09. Review status: criteria provided, single submitter. Criteria: ACMG Guidelines, 2015. Collection method: clinical testing. Allele origin: germline.
Comment: The TG c.229G>A variant is predicted to result in the amino acid substitution p.Gly77Ser. This variant, alternatively referred to as p.Gly58Ser using legacy nomenclature, has been reported in the homozygous and compound heterozygous states in multiple individuals with congenital hypothyroidism (see for example, Table 3, van de Graaf et al. 1999. PubMed ID: 10403171; Table 1, Oliver-Petit et al. 2021. PubMed ID: 34248839; Pollé et al. 2021. PubMed ID: 34484748). An in silico study of variant pathogenicity suggested that this variant is pathogenic; however, such studies are not equivalent to functional evidence (Bastarache et al. 2018. PubMed ID: 29590070). At PreventionGenetics, this variant has been observed in the compound heterozygous state with a second pathogenic TG variant in multiple individuals with TG-related disorders (internal data). This variant is reported in 0.13% of alleles in individuals of European (non-Finnish) descent in gnomAD. This variant is interpreted as likely pathogenic.

Dasa
Classification: Likely pathogenic. Last evaluated: 2026-01-08. Review status: criteria provided, single submitter. Criteria: DASA Assertion Criteria. Collection method: clinical testing. Allele origin: germline.
Comment: NM_003235.5(TG):c.229G>A (p.Gly77Ser) is a missense variant that results in the substitution of glycine with serine. This variant has been recurrently observed in individuals with TG-related disorders (PMID: 34780050; PMID: 34484748; PMID: 34248839). Functional evidence supports an impact on the gene or gene product (PMID: 34780050; PMID: 34484748; PMID: 34248839; PMID: 29590070). Also, this variant is rare in population databases. Computational evidence supports a deleterious effect. Based on the currently available evidence, this variant is classified as likely pathogenic.

First Genomix Gene Laboratory, Genetic Diagnostics Department
Classification: Likely pathogenic for Iodotyrosyl coupling defect. Last evaluated: 2025-05-29. Review status: criteria provided, single submitter. Criteria: ACMG Guidelines, 2015. Collection method: clinical testing. Allele origin: germline. Inheritance: Autosomal recessive inheritance. Affected: no. Observed: 1 variant allele.

GeneDx
Classification: Pathogenic. Last evaluated: 2025-03-09. Review status: criteria provided, single submitter. Criteria: GeneDx Variant Classification Process June 2021. Collection method: clinical testing. Allele origin: germline. Affected: yes.
Comment: In silico analysis supports that this missense variant has a deleterious effect on protein structure/function; This variant is associated with the following publications: (PMID: 23933148, 34426522, 29590070, 33726816, 34484748, 34248839, 10403171, 34780050, 36884306)

Clinical Genomics Laboratory, Washington University in St. Louis
Classification: Uncertain significance for Iodotyrosyl coupling defect. Last evaluated: 2024-12-18. Review status: criteria provided, single submitter. Criteria: ACMG Guidelines, 2015. Collection method: clinical testing. Allele origin: germline.
Comment: The TG c.229G>A (p.Gly77Ser) variant has been reported in at least eight individuals affected with goiter and/or moderate hypothyroidism. Of those individuals, three were compound heterozygous for the variant and a pathogenic variant confirmed in trans (Oliver-Petit I et al., PMID: 34248839; Stranneheim H et al., PMID: 33726816) and four were homozygous for the variant (Acar S et al., PMID: 34780050; Polle OG et al., PMID: 34484748; van de Graaf SA et al., PMID: 10403171). The highest population minor allele frequency in the population database genome aggregation database (v.2.1.1) is 0.13% in the European non-Finnish population with no homozygotes. Computational predictors indicate that the variant is damaging, evidence that correlates with impact to TG function. Functional studies show that this variant results in altered splicing with a reduction of exon 3 inclusion, indicating that this variant may impact protein function (Bastarache L et al., PMID: 29590070). This variant has been reported in the ClinVar database as a germline variant of uncertain significance by six submitters, and pathogenic or likely pathogenic by six submitters. Due to limited information, and based on ACMG/AMP guidelines for variant interpretation (Richards S et al., PMID: 25741868), the clinical significance of this variant is uncertain at this time.

Blueprint Genetics
Classification: Pathogenic for TG-related disorders. Last evaluated: 2024-11-08. Review status: criteria provided, single submitter. Criteria: ACMG Guidelines, 2015. Collection method: clinical testing. Allele origin: germline. Affected: yes. Observed: 5 variant alleles.

Revvity Omics, Revvity
Classification: Uncertain significance for Iodotyrosyl coupling defect. Last evaluated: 2024-09-12. Review status: criteria provided, single submitter. Criteria: ACMG Guidelines, 2015. Collection method: clinical testing. Allele origin: germline.

Department of Pathology and Laboratory Medicine, Sinai Health System
Classification: Uncertain significance for Iodotyrosyl coupling defect; Autoimmune thyroid disease, susceptibility to, 3. Last evaluated: 2023-03-10. Review status: criteria provided, single submitter. Criteria: ACMG Guidelines, 2015. Collection method: research. Allele origin: germline.

Women's Health and Genetics/Laboratory Corporation of America, LabCorp
Classification: Likely pathogenic for TG-Related Disorders. Last evaluated: 2023-02-15. Review status: criteria provided, single submitter. Criteria: LabCorp Variant Classification Summary - May 2015. Collection method: clinical testing. Allele origin: germline.
Comment: Variant summary: TG c.229G>A (p.Gly77Ser) results in a non-conservative amino acid change located in the Thyroglobulin type-1 domain of the encoded protein sequence. Five of five in-silico tools predict a damaging effect of the variant on protein function. At least one publication reports experimental evidence that this variant affects mRNA splicing (Bastarache_2018). The variant allele was found at a frequency of 0.00076 in 251242 control chromosomes with no homozygous occurrences in the database (gnomad). c.229G>A has been reported in the literature in multiple individuals affected with TG-Related Disorders, including consanguineous patients who have the variant in the homozygous state (vandeGraaf_TG_Bioch_1999, Acar_2022) and patients who have the variant in the compound heterozygous state with other missense or nonsense variants, with at least one confirmed as being in-trans (Machiavelli_2009, Oliver-Petit_2021). These data indicate that the variant is likely to be associated with disease. Seven clinical diagnostic laboratories have submitted clinical-significance assessments for this variant to ClinVar after 2014 without evidence for independent evaluation. Multiple laboratories reported the variant with conflicting assessments. Two submitters classified the variants as likely pathogenic/pathogenic while five classified as VUS. Based on the evidence outlined above, the variant was classified as likely pathogenic.

Genetics and Molecular Pathology, SA Pathology
Classification: Likely pathogenic for Iodotyrosyl coupling defect. Last evaluated: 2022-12-22. Review status: criteria provided, single submitter. Criteria: ACMG Guidelines, 2015. Collection method: clinical testing. Allele origin: germline. Inheritance: Autosomal recessive inheritance. Affected: yes.
Comment: The TG c.229G>A variant is classified as Likely Pathogenic (PM1, PM3_Strong, PP3) The TG c.229G>A variant is a single nucleotide change in exon 3/48 of the TG gene, which is predicted to change the amino acid glycine at position 77 in the protein to serine. This variant is located in the conserved thyroglobulin-1 domain (PM1). This variant has been detected in trans with a pathogenic variant as well as homozygous in patients with congenital hypothyroidism (PMID:10403171, 34484748) (PM3). Computational predictions support a deleterious effect on the gene or gene product (PP3). The variant has been reported in dbSNP (rs142698837), in population databases (gnomAD 104/152184, 0 homozygotes) and as disease causing in the HGMD database (CM994510). It has been reported as Conflicting interpretations of pathogenicity by other diagnostic laboratories (ClinVar Variation ID: 436996).